The following is an entry in ClinVar:

ClinVar aggregate classification (germline): Benign/Likely benign. Review status: criteria provided, multiple submitters, no conflicts (2 of 4 stars). 5 submissions from 5 submitters: Benign (2); Likely benign (2). 1 of the submissions does not count toward it. Last evaluated 2025-08-18.

Conditions:
SPTBN4-related disorder. Also called: SPTBN4-related condition.

Allele frequency attached by ClinVar (database versions not stated): gnomAD exomes 0.00123 and 0.00284; ExAC 0.00304; gnomAD 0.00537 and 0.00554; TOPMed 0.00598; ESP Exome Variant Server 0.00684; 1000 Genomes Project 30x 0.00765; 1000 Genomes Project 0.00819.
gnomAD v4.1: 2,699 of 1,611,228 alleles (0.17%); highest among the groups gnomAD compares: African/African-American, 1.6%; 21 homozygotes.

Submissions (5):

Genomic Medicine Center of Excellence, King Faisal Specialist Hospital and Research Centre
Classification: Likely benign. Last evaluated: 2025-08-18. Review status: criteria provided, single submitter. Criteria: ACMG Guidelines, 2015. Collection method: clinical testing. Allele origin: germline.

Blueprint Genetics
Classification: Likely benign. Last evaluated: 2024-11-27. Review status: criteria provided, single submitter. Criteria: ACMG Guidelines, 2015. Collection method: clinical testing. Allele origin: germline.

Labcorp Genetics (formerly Invitae), Labcorp
Classification: Benign. Last evaluated: 2019-12-31. Review status: criteria provided, single submitter. Criteria: Invitae Variant Classification Sherloc (09022015). Collection method: clinical testing. Allele origin: germline.

Breakthrough Genomics
Classification: Benign. Review status: criteria provided, single submitter. Criteria: ACMG Guidelines, 2015. Collection method: not provided. Allele origin: germline. Inheritance: Autosomal recessive inheritance. Affected: yes.

PreventionGenetics, part of Exact Sciences
Classification: Benign for SPTBN4-related condition. Last evaluated: 2019-04-26. Review status: no assertion criteria provided. Collection method: clinical testing. Allele origin: germline. Not counted in ClinVar's aggregate classification.
Comment: This variant is classified as benign based on ACMG/AMP sequence variant interpretation guidelines (Richards et al. 2015 PMID: 25741868, with internal and published modifications).

NM_020971.3(SPTBN4):c.7437G>C (p.Lys2479Asn)

Gene: SPTBN4 (spectrin beta, non-erythrocytic 4; plus strand). Cytogenetic location: 19q13.2.
Variant type: single nucleotide variant.
Coding change: c.7437G>C on transcript NM_020971.3 (MANE Select); coding-DNA position 7437, G replaced by C.
Protein change: p.Lys2479Asn; replaces lysine 2479 with asparagine.
Molecular consequence: missense variant.
Genome position (GRCh38, 1-based): chr19:40,572,136, G>C. VCF-style: chr19-40572136-G-C. GRCh37 (hg19) VCF-style: chr19-41078042-G-C.
Other names: short protein forms K2479N.
Identifiers: ClinVar variation 716479 (VCV000716479.9), dbSNP rs150725660, ClinGen allele CA9446972.